The following is an entry in ClinVar:

ClinVar aggregate classification (germline): Likely pathogenic (1 of 4 stars; one submission).

Conditions:
Congenital stationary night blindness 2A (CSNB2A). Also called: Night blindness, congenital stationary (incomplete), 2A, X-linked; NIGHT BLINDNESS, CONGENITAL STATIONARY, TYPE 2; CSNB, INCOMPLETE, X-LINKED; CACNA1F-Related X-Linked Congenital Stationary Night Blindness. Identifiers: Orphanet 215, MedGen C1848172, MONDO:0010241, OMIM 300071.

Submission:

MGZ Medical Genetics Center
Classification: Likely pathogenic for Congenital stationary night blindness 2A. Last evaluated: 2022-06-23. Review status: criteria provided, single submitter. Criteria: ACMG Guidelines, 2015. Collection method: clinical testing. Allele origin: germline. Affected: yes. Observed: 1 variant allele.
Comment: ACMG criteria applied: PVS1, PM2_SUP

NM_001256789.3(CACNA1F):c.3481del (p.Arg1161fs)

Gene: CACNA1F (calcium voltage-gated channel subunit alpha1 F; minus strand). Cytogenetic location: Xp11.23.
Variant type: Deletion.
Coding change: c.3481del on transcript NM_001256789.3 (MANE Select); coding-DNA position 3481, one base deleted (C; older notation c.3481delC).
Protein change: p.Arg1161fs; shifts the reading frame from arginine 1161.
Molecular consequence: frameshift variant.
Genome position (GRCh38, 1-based): chrX:49,215,202, G deleted on the plus strand (C on the coding strand, the reverse complement: CACNA1F is on the minus strand); the first of 2 consecutive G bases (chrX:49,215,202-49,215,203); deleting either gives the same sequence. VCF-style (leftmost placement, unchanged base first): chrX-49215201-CG-C. GRCh37 (hg19) VCF-style: chrX-49071661-CG-C.
Other names: c.3319del, p.Arg1107fs (NM_001256790.3); c.3514del, p.Arg1172fs (NM_005183.4); short protein forms R1107fs, R1161fs, R1172fs.
Identifiers: ClinVar variation 1709582 (VCV001709582.2), dbSNP rs2520867977, ClinGen allele CA2580101141.